The following is an entry in ClinVar:

ClinVar aggregate classification (germline): Conflicting classifications of pathogenicity. Review status: criteria provided, conflicting classifications (1 of 4 stars). 3 submissions from 2 submitters: Uncertain significance (1); Benign (1); Likely benign (1). Last evaluated 2026-01-21.

Conditions:
Maturity-onset diabetes of the young (MODY). Also called: Maturity onset diabetes mellitus in young. Identifiers: Orphanet 552, MedGen C0342276, MONDO:0018911, HP:0004904.
Transitory neonatal diabetes mellitus. Also called: Transient neonatal diabetes mellitus. Identifiers: MedGen C0342273, MONDO:0020525, HP:0008255.

Allele frequency attached by ClinVar (database versions not stated): TOPMed 0.00002; gnomAD 0.00006; gnomAD exomes 0.00008 and 0.00019; 1000 Genomes Project 30x 0.00016; 1000 Genomes Project 0.00020; ExAC 0.00042.
gnomAD v4.1: 127 of 1,597,386 alleles (0.008%); highest among the groups gnomAD compares: South Asian, 0.14%; no homozygotes.

Submissions (3):

Labcorp Genetics (formerly Invitae), Labcorp
Classification: Likely benign. Last evaluated: 2026-01-21. Review status: criteria provided, single submitter. Criteria: Invitae Variant Classification Sherloc (09022015). Collection method: clinical testing. Allele origin: germline.

Clinical Genomics, Uppaluri K&H Personalized Medicine Clinic
Classification: Benign for Maturity-onset diabetes of the young. Review status: criteria provided, single submitter. Criteria: K & H Uppaluri Personalized Medicine Clinic Variant Classification & Assertion Criteria_Updated V.1. Collection method: research. Allele origin: unknown. Inheritance: Autosomal dominant inheritance.
Comment: Mutations in ABCC8 gene are associated with both neonatal diabetes mellitus as well as MODY. Patients with this mutation may have a better response to sulfonylureas. However, no sufficient evidence is found to ascertain the role of this particular variant (rs193922403) in MODY yet.

Clinical Genomics, Uppaluri K&H Personalized Medicine Clinic
Classification: Uncertain significance for Transitory neonatal diabetes mellitus. Review status: criteria provided, single submitter. Criteria: K & H Uppaluri Personalized Medicine Clinic Variant Classification & Assertion Criteria_Updated V.1. Collection method: research. Allele origin: unknown.
Comment: Mutations in ABCC8 gene are associated with both neonatal diabetes mellitus as well as MODY. Patients with this mutation may have a better response to sulfonylureas. However, no sufficient evidence is found to ascertain the role of this particular variant (rs193922403) in neonatal diabetes yet.

Literature cited by the submitters: PubMed 16885549 (cited by Clinical Genomics, Uppaluri K&H Personalized Medicine Clinic); PubMed 21989597 (cited by Clinical Genomics, Uppaluri K&H Personalized Medicine Clinic); PubMed 27538677 (cited by Clinical Genomics, Uppaluri K&H Personalized Medicine Clinic); PubMed 18981553 (cited by Clinical Genomics, Uppaluri K&H Personalized Medicine Clinic); PubMed 32027066 (cited by Clinical Genomics, Uppaluri K&H Personalized Medicine Clinic); PubMed 18025408 (cited by Clinical Genomics, Uppaluri K&H Personalized Medicine Clinic); PubMed 32792356 (cited by Clinical Genomics, Uppaluri K&H Personalized Medicine Clinic).

NM_000352.6(ABCC8):c.4368C>T (p.Ile1456=)

Gene: ABCC8 (ATP binding cassette subfamily C member 8; minus strand). Cytogenetic location: 11p15.1.
Variant type: single nucleotide variant.
Coding change: c.4368C>T on transcript NM_000352.6 (MANE Select); coding-DNA position 4368, C replaced by T.
Protein change: p.Ile1456=; no amino-acid change (isoleucine 1456 retained).
Molecular consequence: synonymous variant. On other transcripts: non-coding transcript variant (1).
Genome position (GRCh38, 1-based): chr11:17,395,215, G>A on the plus strand (C>T on the coding strand, the complement: ABCC8 is on the minus strand). VCF-style: chr11-17395215-G-A. GRCh37 (hg19) VCF-style: chr11-17416762-G-A.
Other names: c.4371C>T, p.Ile1457= (NM_001287174.3); c.4434C>T, p.Ile1478= (NM_001351295.2); c.4368C>T, p.Ile1456= (NM_001351296.2); c.4365C>T, p.Ile1455= (NM_001351297.2).
Identifiers: ClinVar variation 1112579 (VCV001112579.8), dbSNP rs193922403, ClinGen allele CA5902485.